The following is an entry in ClinVar:

NM_001374828.1(ARID1B):c.195C>G (p.Gly65=)

Genes: ARID1B (AT-rich interaction domain 1B; plus strand), LOC115308161 (uncharacterized LOC115308161; minus strand), LOC129997523 (ATAC-STARR-seq lymphoblastoid silent region 17710; plus strand). Cytogenetic location: 6q25.3.
Variant type: single nucleotide variant.
Coding change: c.195C>G on transcript NM_001374828.1 (MANE Select); coding-DNA position 195, C replaced by G.
Protein change: p.Gly65=; no amino-acid change (glycine 65 retained).
Molecular consequence: synonymous variant.
Genome position (GRCh38, 1-based): chr6:156,777,875, C>G. VCF-style: chr6-156777875-C-G. GRCh37 (hg19) VCF-style: chr6-157099009-C-G.
Other names: c.195C>G, p.Gly65= (NM_001371656.1, NM_001374820.1, NM_001438482.1 and 9 more transcripts).
Identifiers: ClinVar variation 5039239 (VCV005039239.1).

ClinVar aggregate classification (germline): Likely benign (1 of 4 stars; one submission).

gnomAD v4.1: 1 of 1,352,496 alleles (0.000074%); highest among the groups gnomAD compares: South Asian, 0.0018%; no homozygotes.

Submission:

CeGaT Center for Human Genetics Tuebingen
Classification: Likely benign. Last evaluated: 2026-08-01. Review status: criteria provided, single submitter. Criteria: CeGaT Center For Human Genetics Tuebingen Variant Classification Criteria Version 2. Collection method: clinical testing. Allele origin: germline. Affected: yes. Observed: 1 variant allele.
Comment: ARID1B: BP4, BP7